The following is an entry in ClinVar:

ClinVar aggregate classification (germline): Uncertain significance. Review status: criteria provided, multiple submitters, no conflicts (2 of 4 stars). 2 submissions from 2 submitters: Uncertain significance (2). Last evaluated 2026-01-19.

Allele frequency attached by ClinVar (database versions not stated): gnomAD 0.00001 and 0.00003; gnomAD exomes 0.00002 and 0.00006; TOPMed 0.00002; 1000 Genomes Project 0.00020; 1000 Genomes Project 30x 0.00031.
gnomAD v4.1: 48 of 1,550,996 alleles (0.0031%); highest among the groups gnomAD compares: East Asian, 0.029%; no homozygotes.

Submissions (2):

Labcorp Genetics (formerly Invitae), Labcorp
Classification: Uncertain significance. Last evaluated: 2026-01-19. Review status: criteria provided, single submitter. Criteria: Invitae Variant Classification Sherloc (09022015). Collection method: clinical testing. Allele origin: germline.
Comment: This sequence change replaces valine, which is neutral and non-polar, with methionine, which is neutral and non-polar, at codon 12 of the RNF31 protein (p.Val12Met). This variant is present in population databases (rs370135028, gnomAD 0.04%). This variant has not been reported in the literature in individuals affected with RNF31-related conditions. ClinVar contains an entry for this variant (Variation ID: 1433471). An algorithm developed to predict the effect of missense changes on protein structure and function (PolyPhen-2) suggests that this variant is likely to be tolerated. In summary, the available evidence is currently insufficient to determine the role of this variant in disease. Therefore, it has been classified as a Variant of Uncertain Significance.

Blueprint Genetics
Classification: Uncertain significance. Last evaluated: 2024-06-18. Review status: criteria provided, single submitter. Criteria: ACMG Guidelines, 2015. Collection method: clinical testing. Allele origin: germline.

NM_017999.5(RNF31):c.34G>A (p.Val12Met)

Genes: RNF31 (ring finger protein 31; plus strand), LOC121468009 (Sharpr-MPRA regulatory region 11827; plus strand). Cytogenetic location: 14q12.
Variant type: single nucleotide variant.
Coding change: c.34G>A on transcript NM_017999.5 (MANE Select); coding-DNA position 34, G replaced by A.
Protein change: p.Val12Met; replaces valine 12 with methionine.
Molecular consequence: missense variant. On other transcripts: intron variant (1).
Genome position (GRCh38, 1-based): chr14:24,147,732, G>A. VCF-style: chr14-24147732-G-A. GRCh37 (hg19) VCF-style: chr14-24616941-G-A.
Other names: c.-325-244G>A (NM_001310332.2); short protein forms V12M.
Identifiers: ClinVar variation 1433471 (VCV001433471.10), dbSNP rs370135028, ClinGen allele CA7125349.
Genomic context (GRCh38, chr14:24,147,732, plus strand): 5'-GAGGCTGGGGCTGACTCCTGCCTCAGGATGCCGGGGGAGGAAGAGGAGCGGGCCTTCCTG[G>A]TGGCCCGCGAGGAGCTGGCGAGCGCCCTGAGGAGGGATTCCGGGCAGGCGTTTTCCCTGG-3'
Protein context (NP_060469.4, residues 2-22): PGEEEERAFL[Val12Met]AREELASALR